The following is an entry in ClinVar:

ClinVar aggregate classification (germline): Likely benign (1 of 4 stars; one submission).

Submission:

GeneDx
Classification: Likely benign. Last evaluated: 2016-02-11. Review status: criteria provided, single submitter. Criteria: GeneDx Variant Classification (06012015). Collection method: clinical testing. Allele origin: germline. Affected: yes.
Comment: This variant is considered likely benign or benign based on one or more of the following criteria: it is a conservative change, it occurs at a poorly conserved position in the protein, it is predicted to be benign by multiple in silico algorithms, and/or has population frequency not consistent with disease.

NM_001271.4(CHD2):c.63-22TC[8]

Gene: CHD2 (chromodomain helicase DNA binding protein 2; plus strand). Cytogenetic location: 15q26.1.
Variant type: Microsatellite.
Coding change: c.63-22TC[8] on transcript NM_001271.4 (MANE Select); eight copies in a row of the 2-base unit TC starting at c.63-22; the reference has seven copies in a row; one copy, 2 bases duplicated.
Molecular consequence: intron variant.
Genome position (GRCh38, 1-based): chr15:92,924,311-92,924,312, TC duplicated; duplicating any 2 consecutive bases within chr15:92,924,299-92,924,312 gives the same sequence; the position shown is the placement nearest the transcript's 3' end. VCF-style (leftmost placement, unchanged base first): chr15-92924298-A-ATC. GRCh37 (hg19) VCF-style: chr15-93467528-A-ATC.
Other names: c.63-10_63-9dupTC (NM_001271.3); c.63-22TC[8] (NM_001042572.3).
Identifiers: ClinVar variation 420427 (VCV000420427.1), dbSNP rs749583665, ClinGen allele CA16620036.